The following is an entry in ClinVar:

NM_003998.4(NFKB1):c.1133G>A (p.Gly378Asp)

Gene: NFKB1 (nuclear factor kappa B subunit 1; plus strand). Cytogenetic location: 4q24.
Variant type: single nucleotide variant.
Coding change: c.1133G>A on transcript NM_003998.4 (MANE Select); coding-DNA position 1133, G replaced by A.
Protein change: p.Gly378Asp; replaces glycine 378 with aspartic acid.
Molecular consequence: missense variant.
Genome position (GRCh38, 1-based): chr4:102,593,491, G>A. VCF-style: chr4-102593491-G-A. GRCh37 (hg19) VCF-style: chr4-103514648-G-A.
Other names: c.1130G>A, p.Gly377Asp (NM_001165412.2, NM_001319226.2, NM_001382627.1); c.1133G>A, p.Gly378Asp (NM_001382625.1, NM_001382626.1); c.1091G>A, p.Gly364Asp (NM_001382628.1); short protein forms G377D, G378D, G364D.
Identifiers: ClinVar variation 1480155 (VCV001480155.6), dbSNP rs774560110, ClinGen allele CA3026072.

ClinVar aggregate classification (germline): Uncertain significance (1 of 4 stars; one submission).

Allele frequency attached by ClinVar (database versions not stated): TOPMed below 0.00001; gnomAD exomes 0.00001 and 0.00002; ExAC 0.00002.
gnomAD v4.1: 7 of 1,613,848 alleles (0.00043%); highest among the groups gnomAD compares: Admixed American, 0.012%; no homozygotes.

Submission:

Labcorp Genetics (formerly Invitae), Labcorp
Classification: Uncertain significance. Last evaluated: 2024-01-02. Review status: criteria provided, single submitter. Criteria: Invitae Variant Classification Sherloc (09022015). Collection method: clinical testing. Allele origin: germline.
Comment: This sequence change replaces glycine, which is neutral and non-polar, with aspartic acid, which is acidic and polar, at codon 378 of the NFKB1 protein (p.Gly378Asp). This variant is present in population databases (rs774560110, gnomAD 0.01%). This variant has not been reported in the literature in individuals affected with NFKB1-related conditions. ClinVar contains an entry for this variant (Variation ID: 1480155). Advanced modeling of protein sequence and biophysical properties (such as structural, functional, and spatial information, amino acid conservation, physicochemical variation, residue mobility, and thermodynamic stability) performed at Invitae indicates that this missense variant is not expected to disrupt NFKB1 protein function with a negative predictive value of 80%. In summary, the available evidence is currently insufficient to determine the role of this variant in disease. Therefore, it has been classified as a Variant of Uncertain Significance.